The following is an entry in ClinVar:

ClinVar aggregate classification (germline): Uncertain significance (1 of 4 stars; one submission).

Conditions:
Epileptic encephalopathy. Identifiers: MedGen C0543888, HP:0200134.

Submission:

Labcorp Genetics (formerly Invitae), Labcorp
Classification: Uncertain significance for Epileptic encephalopathy. Last evaluated: 2018-05-19. Review status: criteria provided, single submitter. Criteria: Invitae Variant Classification Sherloc (09022015). Collection method: clinical testing. Allele origin: germline.
Comment: This sequence change replaces aspartic acid with glycine at codon 301 of the FASN protein (p.Asp301Gly). The aspartic acid residue is highly conserved and there is a moderate physicochemical difference between aspartic acid and glycine. This variant is not present in population databases (ExAC no frequency). This variant has not been reported in the literature in individuals with FASN-related disease. Algorithms developed to predict the effect of missense changes on protein structure and function are either unavailable or do not agree on the potential impact of this missense change (SIFT: "Deleterious"; PolyPhen-2: "Probably Damaging"; Align-GVGD: "Class C0"). In summary, the available evidence is currently insufficient to determine the role of this variant in disease. Therefore, it has been classified as a Variant of Uncertain Significance.

NM_004104.5(FASN):c.902A>G (p.Asp301Gly)

Gene: FASN (fatty acid synthase; minus strand). Cytogenetic location: 17q25.3.
Variant type: single nucleotide variant.
Coding change: c.902A>G on transcript NM_004104.5 (MANE Select); coding-DNA position 902, A replaced by G.
Protein change: p.Asp301Gly; replaces aspartic acid 301 with glycine.
Molecular consequence: missense variant.
Genome position (GRCh38, 1-based): chr17:82,092,582, T>C on the plus strand (A>G on the coding strand, the complement: FASN is on the minus strand). VCF-style: chr17-82092582-T-C. GRCh37 (hg19) VCF-style: chr17-80050458-T-C.
Other names: short protein forms D301G.
Identifiers: ClinVar variation 573819 (VCV000573819.8), dbSNP rs1568116566, ClinGen allele CA401562246.